The following is an entry in ClinVar:

NM_198576.4(AGRN):c.5092C>G (p.Arg1698Gly)

Gene: AGRN (agrin; plus strand). Cytogenetic location: 1p36.33.
Variant type: single nucleotide variant.
Coding change: c.5092C>G on transcript NM_198576.4 (MANE Select); coding-DNA position 5092, C replaced by G.
Protein change: p.Arg1698Gly; replaces arginine 1698 with glycine.
Molecular consequence: missense variant.
Genome position (GRCh38, 1-based): chr1:1,050,542, C>G. VCF-style: chr1-1050542-C-G. GRCh37 (hg19) VCF-style: chr1-985922-C-G.
Other names: c.5092C>G, p.Arg1698Gly (NM_001305275.2); c.4777C>G, p.Arg1593Gly (NM_001364727.2); short protein forms R1593G, R1698G.
Identifiers: ClinVar variation 1512804 (VCV001512804.5), dbSNP rs771576402, ClinGen allele CA509846.

ClinVar aggregate classification (germline): Uncertain significance (1 of 4 stars; one submission).

Conditions:
Congenital myasthenic syndrome 8. Also called: MYASTHENIC SYNDROME, CONGENITAL, DUE TO AGRIN DEFICIENCY; Myasthenic syndrome, congenital, 8, with pre- and postsynaptic defects. Identifiers: Orphanet 590, MedGen C3808739, MONDO:0014052, OMIM 615120.

gnomAD v4.1: 8 of 1,612,644 alleles (0.0005%); highest among the groups gnomAD compares: Admixed American, 0.0017%; no homozygotes.

Submission:

Labcorp Genetics (formerly Invitae), Labcorp
Classification: Uncertain significance for Congenital myasthenic syndrome 8. Last evaluated: 2022-11-15. Review status: criteria provided, single submitter. Criteria: Invitae Variant Classification Sherloc (09022015). Collection method: clinical testing. Allele origin: germline.
Comment: This sequence change replaces arginine, which is basic and polar, with glycine, which is neutral and non-polar, at codon 1698 of the AGRN protein (p.Arg1698Gly). This variant is present in population databases (rs771576402, gnomAD 0.003%). In summary, the available evidence is currently insufficient to determine the role of this variant in disease. Therefore, it has been classified as a Variant of Uncertain Significance. Algorithms developed to predict the effect of missense changes on protein structure and function output the following: SIFT: "Tolerated"; PolyPhen-2: "Benign"; Align-GVGD: "Class C0". The glycine amino acid residue is found in multiple mammalian species, which suggests that this missense change does not adversely affect protein function. ClinVar contains an entry for this variant (Variation ID: 1512804). This variant has not been reported in the literature in individuals affected with AGRN-related conditions.